The following is an entry in ClinVar:

NM_001605.3(AARS1):c.277T>C (p.Tyr93His)

Gene: AARS1 (alanyl-tRNA synthetase 1; minus strand). Cytogenetic location: 16q22.1.
Variant type: single nucleotide variant.
Coding change: c.277T>C on transcript NM_001605.3 (MANE Select); coding-DNA position 277, T replaced by C.
Protein change: p.Tyr93His; replaces tyrosine 93 with histidine.
Molecular consequence: missense variant.
Genome position (GRCh38, 1-based): chr16:70,277,022, A>G on the plus strand (T>C on the coding strand, the complement: AARS1 is on the minus strand). VCF-style: chr16-70277022-A-G. GRCh37 (hg19) VCF-style: chr16-70310925-A-G.
Other names: short protein forms Y93H.
Identifiers: ClinVar variation 2710932 (VCV002710932.3), dbSNP rs2507029576, ClinGen allele CA396569542.

ClinVar aggregate classification (germline): Uncertain significance (1 of 4 stars; one submission).

Conditions:
Charcot-Marie-Tooth disease type 2. Also called: Charcot-Marie-Tooth type 2. Identifiers: Orphanet 64746, MedGen C0270914, MONDO:0018993.

Submission:

Labcorp Genetics (formerly Invitae), Labcorp
Classification: Uncertain significance for Charcot-Marie-Tooth disease type 2. Last evaluated: 2024-01-24. Review status: criteria provided, single submitter. Criteria: Invitae Variant Classification Sherloc (09022015). Collection method: clinical testing. Allele origin: germline.
Comment: This sequence change replaces tyrosine, which is neutral and polar, with histidine, which is basic and polar, at codon 93 of the AARS protein (p.Tyr93His). This variant is not present in population databases (gnomAD no frequency). This variant has not been reported in the literature in individuals affected with AARS-related conditions. Advanced modeling of protein sequence and biophysical properties (such as structural, functional, and spatial information, amino acid conservation, physicochemical variation, residue mobility, and thermodynamic stability) has been performed at Invitae for this missense variant, however the output from this modeling did not meet the statistical confidence thresholds required to predict the impact of this variant on AARS protein function. In summary, the available evidence is currently insufficient to determine the role of this variant in disease. Therefore, it has been classified as a Variant of Uncertain Significance.